The following is an entry in ClinVar:

ClinVar aggregate classification (germline): Uncertain significance (1 of 4 stars; one submission).

Conditions:
Predisposition to invasive fungal disease due to CARD9 deficiency (IMD103). Also called: CARD9 IMMUNODEFICIENCY; Candidiasis, familial, 2, autosomal recessive; IMMUNODEFICIENCY 103, SUSCEPTIBILITY TO FUNGAL INFECTIONS. Identifiers: Orphanet 457088, MedGen C1859353, MONDO:0008905, OMIM 212050.

Allele frequency attached by ClinVar (database versions not stated): ExAC 0.00001; gnomAD exomes 0.00001 and 0.00002; gnomAD 0.00006; TOPMed 0.00006.

Submission:

Labcorp Genetics (formerly Invitae), Labcorp
Classification: Uncertain significance for Predisposition to invasive fungal disease due to CARD9 deficiency. Last evaluated: 2025-06-16. Review status: criteria provided, single submitter. Criteria: Invitae Variant Classification Sherloc (09022015). Collection method: clinical testing. Allele origin: germline.
Comment: This sequence change replaces arginine, which is basic and polar, with histidine, which is basic and polar, at codon 228 of the CARD9 protein (p.Arg228His). This variant is present in population databases (rs551482416, gnomAD 0.01%). This variant has not been reported in the literature in individuals affected with CARD9-related conditions. ClinVar contains an entry for this variant (Variation ID: 568086). Invitae Evidence Modeling of protein sequence and biophysical properties (such as structural, functional, and spatial information, amino acid conservation, physicochemical variation, residue mobility, and thermodynamic stability) indicates that this missense variant is expected to disrupt CARD9 protein function with a positive predictive value of 80%. In summary, the available evidence is currently insufficient to determine the role of this variant in disease. Therefore, it has been classified as a Variant of Uncertain Significance.

NM_052813.5(CARD9):c.683G>A (p.Arg228His)

Gene: CARD9 (caspase recruitment domain family member 9; minus strand). Cytogenetic location: 9q34.3.
Variant type: single nucleotide variant.
Coding change: c.683G>A on transcript NM_052813.5 (MANE Select); coding-DNA position 683, G replaced by A.
Protein change: p.Arg228His; replaces arginine 228 with histidine.
Molecular consequence: missense variant.
Genome position (GRCh38, 1-based): chr9:136,370,646, C>T on the plus strand (G>A on the coding strand, the complement: CARD9 is on the minus strand). VCF-style: chr9-136370646-C-T. GRCh37 (hg19) VCF-style: chr9-139265098-C-T.
Other names: c.683G>A, p.Arg228His (NM_052814.4); short protein forms R228H.
Identifiers: ClinVar variation 568086 (VCV000568086.7), dbSNP rs551482416, ClinGen allele CA5333007.
Genomic context (GRCh38, chr9:136,370,646, plus strand): 5'-CACAGCAGCTCCTGGCTGGGCCGCTGCTCCATGGCGTGCCTGAGCTTCAGCGTGTGCTTG[C>T]GCTCCACCTTGCAGTCGTCCTCGGCCTTCATGAGGCTGTGCTTGAGCTGGTCAATCTGCA-3'
Protein context (NP_434700.2, residues 218-238): MKAEDDCKVE[Arg228His]KHTLKLRHAM